The following is an entry in ClinVar:

NM_000093.5(COL5A1):c.4351C>A (p.Leu1451Ile)

Gene: COL5A1 (collagen type V alpha 1 chain; plus strand). Cytogenetic location: 9q34.3.
Variant type: single nucleotide variant.
Coding change: c.4351C>A on transcript NM_000093.5 (MANE Select); coding-DNA position 4351, C replaced by A.
Protein change: p.Leu1451Ile; replaces leucine 1451 with isoleucine.
Molecular consequence: missense variant.
Genome position (GRCh38, 1-based): chr9:134,818,860, C>A. VCF-style: chr9-134818860-C-A. GRCh37 (hg19) VCF-style: chr9-137710706-C-A.
Other names: c.4351C>A, p.Leu1451Ile (NM_001278074.1); c.4351C>A (NM_000093.3); short protein forms L1451I.
Identifiers: ClinVar variation 529274 (VCV000529274.12), dbSNP rs369740453, ClinGen allele CA375457379.
Genomic context (GRCh38, chr9:134,818,860, plus strand): 5'-GGAGGGACGGGGGACCAGCAACTCATGCAGAGCGTCTCTGTGTTTCAGGGAGAACAAGGT[C>A]TCCCAGGATCCCCAGGCCCGGACGGTCCCCCCGGCCCCATGGTGAGTCACATTCCTCATG-3'
Protein context (NP_000084.3, residues 1441-1461): GIPGPVGEQG[Leu1451Ile]PGSPGPDGPP

ClinVar aggregate classification (germline): Uncertain significance. Review status: criteria provided, multiple submitters, no conflicts (2 of 4 stars). 3 submissions from 3 submitters: Uncertain significance (3). Last evaluated 2025-07-09.

Conditions:
Ehlers-Danlos syndrome, classic type, 1 (EDSCL1). Also called: Ehlers-Danlos syndrome, type 1; EHLERS-DANLOS SYNDROME, GRAVIS TYPE; EHLERS-DANLOS SYNDROME, SEVERE CLASSIC TYPE; EDS I; Ehlers-Danlos Syndrome, Classic Type, COL5A1-Related. Identifiers: MedGen C0268335, MONDO:0019567, OMIM 130000.
Neurodevelopmental disorder with or without autism or seizures (NEDAUS). Identifiers: MedGen C5543225, MONDO:0030994, OMIM 619239.

Submissions (3):

Institute of Immunology and Genetics Kaiserslautern
Classification: Uncertain significance for Ehlers-Danlos syndrome, classic type, 1; Neurodevelopmental disorder with or without autism or seizures. Last evaluated: 2025-07-09. Review status: criteria provided, single submitter. Criteria: ACMG Guidelines, 2015. Collection method: clinical testing. Allele origin: germline. Affected: yes.
Comment: ACMG Criteria: PM2_P; Variant was found in heterozygous state.

GeneDx
Classification: Uncertain significance. Last evaluated: 2024-04-17. Review status: criteria provided, single submitter. Criteria: GeneDx Variant Classification Process June 2021. Collection method: clinical testing. Allele origin: germline. Affected: yes.
Comment: Not observed at significant frequency in large population cohorts (gnomAD); In silico analysis indicates that this missense variant does not alter protein structure/function; Has not been previously published as pathogenic or benign to our knowledge; Occurs in the triple helical domain at the X position in the canonical Gly-X-Y repeat; although this variant may have an effect on normal protein folding and function, missense substitution at the X position is not a common mechanism of disease (PMID: 22696272; HGMD); This variant is associated with the following publications: (PMID: 22696272)

Labcorp Genetics (formerly Invitae), Labcorp
Classification: Uncertain significance for Ehlers-Danlos syndrome, classic type, 1. Last evaluated: 2017-09-20. Review status: criteria provided, single submitter. Criteria: Invitae Variant Classification Sherloc (09022015). Collection method: clinical testing. Allele origin: germline.
Comment: This variant has not been reported in the literature in individuals with COL5A1-related disease. Algorithms developed to predict the effect of missense changes on protein structure and function do not agree on the potential impact of this missense change (SIFT: "Deleterious"; PolyPhen-2: "Possibly Damaging"; Align-GVGD: "Class C0"). In summary, the available evidence is currently insufficient to determine the role of this variant in disease. Therefore, it has been classified as a Variant of Uncertain Significance. This variant is not present in population databases (ExAC no frequency). This sequence change replaces leucine with isoleucine at codon 1451 of the COL5A1 protein (p.Leu1451Ile). The leucine residue is highly conserved and there is a small physicochemical difference between leucine and isoleucine.